The following is an entry in ClinVar:

NM_001379500.1(COL18A1):c.2969_2978dup (p.Gly994fs)

Genes: COL18A1 (collagen type XVIII alpha 1 chain; plus strand), SLC19A1 (solute carrier family 19 member 1; minus strand). Cytogenetic location: 21q22.3.
Variant type: Duplication.
Coding change: c.2969_2978dup on transcript NM_001379500.1 (MANE Select); coding-DNA positions 2969 to 2978, 10 bases duplicated (CAGGCCCCCC; older notation c.2969_2978dupCAGGCCCCCC).
Protein change: p.Gly994fs; shifts the reading frame from glycine 994.
Molecular consequence: frameshift variant.
Genome position (GRCh38, 1-based): chr21:45,505,234-45,505,243, CAGGCCCCCC duplicated; duplicating any 10 consecutive bases within chr21:45,505,229-45,505,243 gives the same sequence; the c. name uses the placement nearest the transcript's 3' end. VCF-style (leftmost placement, unchanged base first): chr21-45505228-G-GCCCCCCAGGC. GRCh37 (hg19) VCF-style: chr21-46925142-G-GCCCCCCAGGC.
Other names: c.3500_3509dup, p.Gly1171fs (NM_030582.4); c.4205_4214dup, p.Gly1406fs (NM_130444.3); short protein forms G994fs, G1171fs, G1406fs.
Identifiers: ClinVar variation 1367951 (VCV001367951.7), dbSNP rs2037122005, ClinGen allele CA2392191267.

ClinVar aggregate classification (germline): Pathogenic/Likely pathogenic. Review status: criteria provided, multiple submitters, no conflicts (2 of 4 stars). 2 submissions from 2 submitters: Pathogenic (1); Likely pathogenic (1). Last evaluated 2023-12-14.

Conditions:
COL18A1-related disorder. Also called: COL18A1-related disorders; COL18A1-related condition.

Submissions (2):

Blueprint Genetics
Classification: Likely pathogenic for COL18A1-related disorders. Last evaluated: 2023-12-14. Review status: criteria provided, single submitter. Criteria: ACMG Guidelines, 2015. Collection method: clinical testing. Allele origin: germline. Affected: yes. Observed: 2 variant alleles.

Labcorp Genetics (formerly Invitae), Labcorp
Classification: Pathogenic. Last evaluated: 2023-11-27. Review status: criteria provided, single submitter. Criteria: Invitae Variant Classification Sherloc (09022015). Collection method: clinical testing. Allele origin: germline.
Comment: This sequence change creates a premature translational stop signal (p.Gly991Argfs*96) in the COL18A1 gene. It is expected to result in an absent or disrupted protein product. Loss-of-function variants in COL18A1 are known to be pathogenic (PMID: 12415512, 25456301). This variant is not present in population databases (gnomAD no frequency). This premature translational stop signal has been observed in individual(s) with Knobloch syndrome (PMID: 32178553). ClinVar contains an entry for this variant (Variation ID: 1367951). For these reasons, this variant has been classified as Pathogenic.

Literature cited by the submitters: PubMed 12415512 (cited by Labcorp Genetics (formerly Invitae), Labcorp); PubMed 25456301 (cited by Labcorp Genetics (formerly Invitae), Labcorp); PubMed 32178553 (cited by Labcorp Genetics (formerly Invitae), Labcorp).